The following is an entry in ClinVar:

NM_000069.3(CACNA1S):c.3043G>A (p.Gly1015Arg)

Gene: CACNA1S (calcium voltage-gated channel subunit alpha1 S; minus strand). Cytogenetic location: 1q32.1.
Variant type: single nucleotide variant.
Coding change: c.3043G>A on transcript NM_000069.3 (MANE Select); coding-DNA position 3043, G replaced by A.
Protein change: p.Gly1015Arg; replaces glycine 1015 with arginine.
Molecular consequence: missense variant.
Genome position (GRCh38, 1-based): chr1:201,061,954, C>T on the plus strand (G>A on the coding strand, the complement: CACNA1S is on the minus strand). VCF-style: chr1-201061954-C-T. GRCh37 (hg19) VCF-style: chr1-201031082-C-T.
Other names: short protein forms G1015R.
Identifiers: ClinVar variation 2060227 (VCV002060227.5), dbSNP rs202242262, ClinGen allele CA079494.

ClinVar aggregate classification (germline): Conflicting classifications of pathogenicity. Review status: criteria provided, conflicting classifications (1 of 4 stars). 2 submissions from 2 submitters: Uncertain significance (1); Likely benign (1). Last evaluated 2025-09-08.

Conditions:
Hypokalemic periodic paralysis, type 1. Also called: HypoPP; Hypokalemic Periodic Paralysis Type 1 (AD). Identifiers: Orphanet 681, MedGen C3714580, MONDO:0042979, OMIM 170400.
Malignant hyperthermia, susceptibility to, 5 (MHS5). Also called: CACNA1S-Related Malignant Hyperthermia Susceptibility. Identifiers: Orphanet 423, MedGen C1866077, MONDO:0011163, OMIM 601887.

Allele frequency attached by ClinVar (database versions not stated): gnomAD 0.00001; TOPMed 0.00001; gnomAD exomes 0.00002; ExAC 0.00005; 1000 Genomes Project 30x 0.00016; 1000 Genomes Project 0.00020.

Submissions (2):

Labcorp Genetics (formerly Invitae), Labcorp
Classification: Likely benign for Hypokalemic periodic paralysis, type 1; Malignant hyperthermia, susceptibility to, 5. Last evaluated: 2025-09-08. Review status: criteria provided, single submitter. Criteria: Invitae Variant Classification Sherloc (09022015). Collection method: clinical testing. Allele origin: germline.

Color Diagnostics, LLC DBA Color Health
Classification: Uncertain significance for Malignant hyperthermia, susceptibility to, 5. Last evaluated: 2024-01-16. Review status: criteria provided, single submitter. Criteria: ACMG Guidelines, 2015. Collection method: clinical testing. Allele origin: germline.
Comment: This missense variant replaces glycine with arginine at codon 1015 of the CACNA1S protein. Computational prediction suggests that this variant may have deleterious impact on protein structure and function (internally defined REVEL score threshold >= 0.7, PMID: 27666373). To our knowledge, functional studies have not been reported for this variant. This variant has not been reported in individuals affected with CACNA1S-related disorders in the literature. This variant has been identified in 9/251364 chromosomes in the general population by the Genome Aggregation Database (gnomAD). The available evidence is insufficient to determine the role of this variant in disease conclusively. Therefore, this variant is classified as a Variant of Uncertain Significance.